The following is an entry in ClinVar:

NM_003070.5(SMARCA2):c.2834T>G (p.Phe945Cys)

Gene: SMARCA2 (SWI/SNF related, matrix associated, actin dependent regulator of chromatin, subfamily a, member 2; plus strand). Cytogenetic location: 9p24.3.
Variant type: single nucleotide variant.
Coding change: c.2834T>G on transcript NM_003070.5 (MANE Select); coding-DNA position 2834, T replaced by G.
Protein change: p.Phe945Cys; replaces phenylalanine 945 with cysteine.
Molecular consequence: missense variant.
Genome position (GRCh38, 1-based): chr9:2,088,564, T>G. VCF-style: chr9-2088564-T-G. GRCh37 (hg19) VCF-style: chr9-2088564-T-G.
Other names: c.2834T>G, p.Phe945Cys (NM_001289396.2, NM_139045.4); c.2660T>G, p.Phe887Cys (NM_001289397.2); short protein forms F945C, F887C.
Identifiers: ClinVar variation 449924 (VCV000449924.2), dbSNP rs1554624095, ClinGen allele CA372785508.

ClinVar aggregate classification (germline): Likely pathogenic (1 of 4 stars; one submission).

Submission:

GeneDx
Classification: Likely pathogenic. Last evaluated: 2017-04-11. Review status: criteria provided, single submitter. Criteria: GeneDx Variant Classification (06012015). Collection method: clinical testing. Allele origin: germline. Affected: yes.
Comment: The F945C variant in the SMARCA2 gene has not been reported previously as a pathogenic variant, nor as a benign variant, to our knowledge. The F945C variant is not observed in large population cohorts (Lek et al., 2016; 1000 Genomes Consortium et al., 2015; Exome Variant Server). The F945C variant is a non-conservative amino acid substitution, which is likely to impact secondary protein structure as these residues differ in polarity, charge, size and/or other properties. This substitution occurs at a position that is conserved across species, and in silico analysis predicts this variant is probably damaging to the protein structure/function. The F945C variant is a strong candidate for a pathogenic variant.